The following is an entry in ClinVar:

NM_183357.3(ADCY5):c.2278C>T (p.Arg760Ter)

Gene: ADCY5 (adenylate cyclase 5; minus strand). Cytogenetic location: 3q21.1.
Variant type: single nucleotide variant.
Coding change: c.2278C>T on transcript NM_183357.3 (MANE Select); coding-DNA position 2278, C replaced by T.
Protein change: p.Arg760Ter; replaces arginine 760 with a stop codon.
Molecular consequence: nonsense.
Genome position (GRCh38, 1-based): chr3:123,318,096, G>A on the plus strand (C>T on the coding strand, the complement: ADCY5 is on the minus strand). VCF-style: chr3-123318096-G-A. GRCh37 (hg19) VCF-style: chr3-123036943-G-A.
Other names: c.1228C>T, p.Arg410Ter (NM_001199642.1); c.2278C>T, p.Arg760Ter (NM_001378259.1); short protein forms R410*, R760*.
Identifiers: ClinVar variation 1685503 (VCV001685503.6), dbSNP rs1553724606, ClinGen allele CA354217662.

ClinVar aggregate classification (germline): Pathogenic. Review status: criteria provided, multiple submitters, no conflicts (2 of 4 stars). 2 submissions from 2 submitters: Pathogenic (2). Last evaluated 2023-08-17.

Conditions:
Dyskinesia with orofacial involvement, autosomal dominant (DSKOD). Also called: Familial dyskinesia and facial myokymia; Familial Dyskinesia with Facial Myokymia (FDFM); Dyskinesia, familial, with facial myokymia. Identifiers: Orphanet 324588, MedGen C1847627, MONDO:0800028, OMIM 606703.

Submissions (2):

Labcorp Genetics (formerly Invitae), Labcorp
Classification: Pathogenic. Last evaluated: 2023-08-17. Review status: criteria provided, single submitter. Criteria: Invitae Variant Classification Sherloc (09022015). Collection method: clinical testing. Allele origin: germline.
Comment: This sequence change creates a premature translational stop signal (p.Arg760*) in the ADCY5 gene. It is expected to result in an absent or disrupted protein product. Loss-of-function variants in ADCY5 are known to be pathogenic (PMID: 28971144, 34631954). This variant is not present in population databases (gnomAD no frequency). This variant has not been reported in the literature in individuals affected with ADCY5-related conditions. ClinVar contains an entry for this variant (Variation ID: 1685503). For these reasons, this variant has been classified as Pathogenic.

Mendelics
Classification: Pathogenic for Dyskinesia with orofacial involvement, autosomal dominant. Last evaluated: 2022-05-04. Review status: criteria provided, single submitter. Criteria: Mendelics Assertion Criteria 2019. Collection method: clinical testing. Allele origin: germline.

Literature cited by the submitters: PubMed 28971144 (cited by Labcorp Genetics (formerly Invitae), Labcorp); PubMed 34631954 (cited by Labcorp Genetics (formerly Invitae), Labcorp).